The following is an entry in ClinVar:

ClinVar aggregate classification (germline): Uncertain significance (1 of 4 stars; one submission).

Conditions:
Nephrotic syndrome, type 4 (NPHS4). Also called: Familial mesangial sclerosis; Nephrotic syndrome, early onset with diffuse mesangial sclerosis. Identifiers: Orphanet 656, MedGen C3151568, MONDO:0009733, OMIM 256370.

Submission:

MVZ Medizinische Genetik Mainz
Classification: Uncertain significance for Nephrotic syndrome, type 4. Last evaluated: 2024-12-17. Review status: criteria provided, single submitter. Criteria: UK Practice Guidelines For Variant Classification V4 01 2020. Collection method: clinical testing. Allele origin: germline. Inheritance: Autosomal dominant inheritance. Affected: yes. Observed: 1 variant allele.
Comment: ACMG Criteria: PM1,PM2_SUP

NM_024426.6(WT1):c.1343G>A (p.Arg448Lys)

Gene: WT1 (WT1 transcription factor; minus strand). Cytogenetic location: 11p13.
Variant type: single nucleotide variant.
Coding change: c.1343G>A on transcript NM_024426.6 (MANE Select); coding-DNA position 1343, G replaced by A.
Protein change: p.Arg448Lys; replaces arginine 448 with lysine.
Molecular consequence: missense variant. On other transcripts: non-coding transcript variant (2), intron variant (1).
Genome position (GRCh38, 1-based): chr11:32,392,677, C>T on the plus strand (G>A on the coding strand, the complement: WT1 is on the minus strand). VCF-style: chr11-32392677-C-T. GRCh37 (hg19) VCF-style: chr11-32414223-C-T.
Other names: c.1292G>A, p.Arg431Lys (NM_000378.6, NM_001407045.1, NM_001407049.1); c.692G>A, p.Arg231Lys (NM_001198551.2); c.641G>A, p.Arg214Lys (NM_001198552.2); c.155G>A, p.Arg52Lys (NM_001367854.1); c.1337G>A, p.Arg446Lys (NM_001407044.1); c.1343G>A, p.Arg448Lys (NM_001407046.1, NM_024424.5); c.1220G>A, p.Arg407Lys (NM_001407047.1); c.1169G>A, p.Arg390Lys (NM_001407050.1); and 4 more; short protein forms R194K, R214K, R231K, R358K, R375K, R390K, R407K, R431K.
Identifiers: ClinVar variation 3601980 (VCV003601980.1).